The following is an entry in ClinVar:

NM_002107.7(H3-3A):c.365C>G (p.Pro122Arg)

Gene: H3-3A (H3.3 histone A; plus strand). Cytogenetic location: 1q42.12.
Variant type: single nucleotide variant.
Coding change: c.365C>G on transcript NM_002107.7 (MANE Select); coding-DNA position 365, C replaced by G.
Protein change: p.Pro122Arg; replaces proline 122 with arginine.
Molecular consequence: missense variant.
Genome position (GRCh38, 1-based): chr1:226,071,433, C>G. VCF-style: chr1-226071433-C-G. GRCh37 (hg19) VCF-style: chr1-226259134-C-G.
Other names: c.365C>G, p.Pro122Arg (NM_001379043.1, NM_001379045.1, NM_001379046.1 and 1 more transcripts); short protein forms P122R.
Identifiers: ClinVar variation 986093 (VCV000986093.4), dbSNP rs1576203003, ClinGen allele CA345020965.
Genomic context (GRCh38, chr1:226,071,433, plus strand): 5'-TTGGCCTTTTTGAAGACACCAACCTGTGTGCTATCCATGCCAAACGTGTAACAATTATGC[C>G]AAAAGACATCCAGCTAGCACGCCGCATACGTGGAGAACGTGCTTAAGAATCCACTATGAT-3'
Protein context (NP_002098.1, residues 112-132): AIHAKRVTIM[Pro122Arg]KDIQLARRIR

ClinVar aggregate classification (germline): Pathogenic/Likely pathogenic. Review status: criteria provided, multiple submitters, no conflicts (2 of 4 stars). 2 submissions from 2 submitters: Pathogenic (1); Likely pathogenic (1). Last evaluated 2017-12-28.

Conditions:
H3F3A-related disorder. Also called: H3F3A-related disorders; H3F3A-related condition.
Inborn genetic diseases. Identifiers: MedGen C0950123, MeSH D030342.

Submissions (2):

Ambry Genetics
Classification: Likely pathogenic for Inborn genetic diseases. Last evaluated: 2017-12-28. Review status: criteria provided, single submitter. Criteria: Ambry exome assertion method (8-5-2015). Collection method: clinical testing. Allele origin: germline. Affected: yes. Observed: 1 variant allele.

Rady Children's Institute for Genomic Medicine, Rady Children's Hospital San Diego
Classification: Pathogenic for H3F3A-related disorders. Review status: criteria provided, single submitter. Criteria: ACMG Guidelines, 2015. Collection method: clinical testing. Allele origin: germline. Affected: yes.
Comment: This variant has been previously reported as a de novo change in an individual with neurodevelopmental disorder (PMID: 33268356). A different amino acid change at the same residue (p.Pro122Leu) has been previously reported as de novo change in two individuals with neurodevelopmental disorder (PMID: 33268356, 34876591). The c.365C>G (p.Pro122Arg) variant is absent from the gnomAD population database and thus is presumed to be rare. Analysis of the parental samples was negative for the variant, indicating this variant likely occurred as a de novo event. Based on the available evidence, the c.365C>G (p.Pro122Arg) variant is classified as Pathogenic.